The following is an entry in ClinVar:

ClinVar aggregate classification (germline): Pathogenic (1 of 4 stars; one submission).

Conditions:
Biotin-responsive basal ganglia disease (BTBGD). Also called: Thiamine metabolism dysfunction syndrome 2 (biotin- or thiamine-responsive encephalopathy type 2); Thiamine metabolism dysfunction syndrome type 2; thiamine-responsive encephalopathy; Thiamine Transporter-2 Deficiency; THIAMINE METABOLISM DYSFUNCTION SYNDROME 2 (BIOTIN- AND THIAMINE-RESPONSIVE TYPE). Identifiers: Orphanet 199348, Orphanet 65284, MedGen C1843807, MONDO:0011841, OMIM 607483.

Submission:

Labcorp Genetics (formerly Invitae), Labcorp
Classification: Pathogenic for Biotin-thiamine-responsive basal ganglia disease. Last evaluated: 2019-09-20. Review status: criteria provided, single submitter. Criteria: Invitae Variant Classification Sherloc (09022015). Collection method: clinical testing. Allele origin: germline.
Comment: A gross deletion of the genomic region encompassing the full coding sequence of the SLC19A3 gene has been identified. The boundaries of this event are unknown as the deletion extends beyond the assayed region for this gene and therefore may encompass additional genes. This variant has not been reported in the literature in individuals with SLC19A3-related conditions. Loss-of-function variants in SLC19A3 are known to be pathogenic (PMID: 23423671, 23482991). For these reasons, this variant has been classified as Pathogenic.

NC_000002.12:g.(?_227687377)_(227702338_?)del

Gene: SLC19A3 (solute carrier family 19 member 3; minus strand). Cytogenetic location: 2q36.3.
Variant type: Deletion.
Identifiers: ClinVar variation 830446 (VCV000830446.1).